The following is an entry in ClinVar:

ClinVar aggregate classification (germline): Likely pathogenic. Review status: criteria provided, single submitter (1 of 4 stars). 2 submissions from 2 submitters: Likely pathogenic (1). 1 of the submissions does not count toward it. Last evaluated 2025-04-24.

Conditions:
Finnish congenital nephrotic syndrome (NPHS1). Also called: NEPHROTIC SYNDROME, TYPE 1. Identifiers: Orphanet 839, MedGen C0403399, MONDO:0009732, OMIM 256300.

Submissions (2):

Natera, Inc.
Classification: Likely pathogenic for Finnish congenital nephrotic syndrome. Last evaluated: 2025-04-24. Review status: criteria provided, single submitter. Criteria: Natera Variant Classification Schema (03/2026). Collection method: clinical testing. Allele origin: germline.
Comment: The c.793T>C variant in NPHS1 is a missense variant predicted to cause substitution of cysteine to arginine at amino acid 265. This variant is rare in the general population with a frequency below the threshold expected for the associated phenotype(s). This variant has been observed in one or more individuals affected with the associated recessive disease, as either homozygous or compound heterozygous with a second variant (PMID: 17290294). Additionally, this variant has been observed to segregate in affected family members (PMID: 17290294). Functional studies show that this variant may disrupt protein function (PMID: 19443487). Computational prediction algorithms indicate this variant is likely to affect gene or protein function. Given the available evidence, this variant is classified as Likely Pathogenic.

OMIM
Classification: Pathogenic for NEPHROTIC SYNDROME, TYPE 1. Last evaluated: 2009-08-15. Review status: no assertion criteria provided. Collection method: literature only. Allele origin: germline. Not counted in ClinVar's aggregate classification.

Literature cited by the submitters: PubMed 17290294 (cited by Natera, Inc. and OMIM); PubMed 19443487 (cited by Natera, Inc. and OMIM).

NM_004646.4(NPHS1):c.793T>C (p.Cys265Arg)

Gene: NPHS1 (NPHS1 adhesion molecule, nephrin; minus strand). Cytogenetic location: 19q13.12.
Variant type: single nucleotide variant.
Coding change: c.793T>C on transcript NM_004646.4 (MANE Select); coding-DNA position 793, T replaced by C.
Protein change: p.Cys265Arg; replaces cysteine 265 with arginine.
Molecular consequence: missense variant.
Genome position (GRCh38, 1-based): chr19:35,849,283, A>G on the plus strand (T>C on the coding strand, the complement: NPHS1 is on the minus strand). VCF-style: chr19-35849283-A-G. GRCh37 (hg19) VCF-style: chr19-36340185-A-G.
Other names: c.793T>C (NM_004646.3); short protein forms C265R.
Identifiers: ClinVar variation 6874 (VCV000006874.2), dbSNP rs267606917, ClinGen allele CA250040.
Genomic context (GRCh38, chr19:35,849,283, plus strand): 5'-CGTTTGCCCTCACCTTCAGCCACTGCAGTGTGGCTAAGGGATTACCCCCTCGGGCCACGC[A>G]CGGCAGCTCCAAGCTCTGTCCTGCCCGCACGTGCCCCTCATCCAGGCCTGGCCACTCGAT-3'
Protein context (NP_004637.1, residues 255-275): VRAGQSLELP[Cys265Arg]VARGGNPLAT